The following is an entry in ClinVar:

ClinVar aggregate classification (germline): Uncertain significance (1 of 4 stars; one submission).

Conditions:
Congenital glucose-galactose malabsorption (GGM). Also called: DIARRHEA 16; MONOSACCHARIDE MALABSORPTION. Identifiers: Orphanet 35710, MedGen C0268186, MONDO:0011731, OMIM 606824.

Allele frequency attached by ClinVar (database versions not stated): TOPMed 0.00005; gnomAD 0.00007.

Submission:

Labcorp Genetics (formerly Invitae), Labcorp
Classification: Uncertain significance for Congenital glucose-galactose malabsorption. Last evaluated: 2023-12-11. Review status: criteria provided, single submitter. Criteria: Invitae Variant Classification Sherloc (09022015). Collection method: clinical testing. Allele origin: germline.
Comment: This sequence change falls in intron 5 of the SLC5A1 gene. It does not directly change the encoded amino acid sequence of the SLC5A1 protein. This variant is present in population databases (rs201044273, gnomAD 0.006%). This variant has not been reported in the literature in individuals affected with SLC5A1-related conditions. ClinVar contains an entry for this variant (Variation ID: 1907159). Algorithms developed to predict the effect of sequence changes on RNA splicing suggest that this variant may disrupt the consensus splice site. In summary, the available evidence is currently insufficient to determine the role of this variant in disease. Therefore, it has been classified as a Variant of Uncertain Significance.

NM_000343.4(SLC5A1):c.478-11T>A

Gene: SLC5A1 (solute carrier family 5 member 1; plus strand). Cytogenetic location: 22q12.3.
Variant type: single nucleotide variant.
Coding change: c.478-11T>A on transcript NM_000343.4 (MANE Select); 11 bases into the intron before coding-DNA position 478, T replaced by A.
Molecular consequence: intron variant.
Genome position (GRCh38, 1-based): chr22:32,081,855, T>A. VCF-style: chr22-32081855-T-A. GRCh37 (hg19) VCF-style: chr22-32477842-T-A.
Other names: c.97-11T>A (NM_001256314.2).
Identifiers: ClinVar variation 1907159 (VCV001907159.3), dbSNP rs201044273, ClinGen allele CA10197977.